The following is an entry in ClinVar:

NM_001367624.2(ZNF469):c.7703C>G (p.Pro2568Arg)

Gene: ZNF469 (zinc finger protein 469; plus strand). Cytogenetic location: 16q24.2.
Variant type: single nucleotide variant.
Coding change: c.7703C>G on transcript NM_001367624.2 (MANE Select); coding-DNA position 7703, C replaced by G.
Protein change: p.Pro2568Arg; replaces proline 2568 with arginine.
Molecular consequence: missense variant.
Genome position (GRCh38, 1-based): chr16:88,435,173, C>G. VCF-style: chr16-88435173-C-G. GRCh37 (hg19) VCF-style: chr16-88501581-C-G.
Other names: NM_001127464.1:c.7619C>G; short protein forms P2568R.
Identifiers: ClinVar variation 3258271 (VCV003258271.1).

ClinVar aggregate classification (germline): Uncertain significance (1 of 4 stars; one submission).

Conditions:
Cardiovascular phenotype. Identifiers: MedGen CN230736.

gnomAD v4.1: 1 of 1,550,386 alleles (0.000065%); highest among the groups gnomAD compares: South Asian, 0.0012%; no homozygotes.

Submission:

Ambry Genetics
Classification: Uncertain significance for Cardiovascular phenotype. Last evaluated: 2024-05-26. Review status: criteria provided, single submitter. Criteria: Ambry Variant Classification Scheme 2023. Collection method: clinical testing. Allele origin: germline.
Comment: The p.P2540R variant (also known as c.7619C>G), located in coding exon 2 of the ZNF469 gene, results from a C to G substitution at nucleotide position 7619. The proline at codon 2540 is replaced by arginine, an amino acid with dissimilar properties. This amino acid position is conserved. In addition, this alteration is predicted to be tolerated by in silico analysis. Based on the available evidence, the clinical significance of this variant remains unclear.